The following is an entry in ClinVar:

NM_001394062.1(MACF1):c.21889+6G>A

Gene: MACF1 (microtubule actin crosslinking factor 1; plus strand). Cytogenetic location: 1p34.3.
Variant type: single nucleotide variant.
Coding change: c.21889+6G>A on transcript NM_001394062.1 (MANE Select); 6 bases into the intron after coding-DNA position 21889, G replaced by A.
Molecular consequence: intron variant.
Genome position (GRCh38, 1-based): chr1:39,468,738, G>A. VCF-style: chr1-39468738-G-A. GRCh37 (hg19) VCF-style: chr1-39934410-G-A.
Other names: c.15694+6G>A (NM_012090.5); c.9949+6G>A (NM_001397473.1).
Identifiers: ClinVar variation 4086039 (VCV004086039.8).

ClinVar aggregate classification (germline): Likely benign (1 of 4 stars; one submission).

gnomAD v4.1: 32 of 1,611,250 alleles (0.002%); highest among the groups gnomAD compares: East Asian, 0.071%; 1 homozygote.

Submission:

CeGaT Center for Human Genetics Tuebingen
Classification: Likely benign. Last evaluated: 2025-07-01. Review status: criteria provided, single submitter. Criteria: CeGaT Center For Human Genetics Tuebingen Variant Classification Criteria Version 2. Collection method: clinical testing. Allele origin: germline. Affected: yes. Observed: 1 variant allele.
Comment: MACF1: BP4